The following is an entry in ClinVar:

ClinVar aggregate classification (germline): Uncertain significance (1 of 4 stars; one submission).

Submission:

Labcorp Genetics (formerly Invitae), Labcorp
Classification: Uncertain significance. Last evaluated: 2023-08-27. Review status: criteria provided, single submitter. Criteria: Invitae Variant Classification Sherloc (09022015). Collection method: clinical testing. Allele origin: germline.
Comment: Experimental studies and prediction algorithms are not available or were not evaluated, and the functional significance of this variant is currently unknown. This variant has not been reported in the literature in individuals affected with POLD2-related conditions. This variant is not present in population databases (gnomAD no frequency). This sequence change replaces lysine, which is basic and polar, with asparagine, which is neutral and polar, at codon 312 of the POLD2 protein (p.Lys312Asn). In summary, the available evidence is currently insufficient to determine the role of this variant in disease. Therefore, it has been classified as a Variant of Uncertain Significance.

NM_006230.4(POLD2):c.831G>T (p.Lys277Asn)

Gene: POLD2 (DNA polymerase delta 2, accessory subunit; minus strand). Cytogenetic location: 7p13.
Variant type: single nucleotide variant.
Coding change: c.831G>T on transcript NM_006230.4 (MANE Select); coding-DNA position 831, G replaced by T.
Protein change: p.Lys277Asn; replaces lysine 277 with asparagine.
Molecular consequence: missense variant.
Genome position (GRCh38, 1-based): chr7:44,116,460, C>A on the plus strand (G>T on the coding strand, the complement: POLD2 is on the minus strand). VCF-style: chr7-44116460-C-A. GRCh37 (hg19) VCF-style: chr7-44156059-C-A.
Other names: c.831G>T, p.Lys277Asn (NM_001127218.3, NM_001256879.2); short protein forms K277N.
Identifiers: ClinVar variation 2755351 (VCV002755351.3), dbSNP rs2484383312, ClinGen allele CA367381550.